The following is an entry in ClinVar:

NM_001942.4(DSG1):c.1933C>A (p.Leu645Met)

Genes: DSG1 (desmoglein 1; plus strand), DSG1-AS1 (DSG1 antisense RNA 1; minus strand). Cytogenetic location: 18q12.1.
Variant type: single nucleotide variant.
Coding change: c.1933C>A on transcript NM_001942.4 (MANE Select); coding-DNA position 1933, C replaced by A.
Protein change: p.Leu645Met; replaces leucine 645 with methionine.
Molecular consequence: missense variant.
Genome position (GRCh38, 1-based): chr18:31,346,031, C>A. VCF-style: chr18-31346031-C-A. GRCh37 (hg19) VCF-style: chr18-28925994-C-A.
Other names: short protein forms L645M.
Identifiers: ClinVar variation 3720032 (VCV003720032.2).

ClinVar aggregate classification (germline): Uncertain significance (1 of 4 stars; one submission).

Submission:

Labcorp Genetics (formerly Invitae), Labcorp
Classification: Uncertain significance. Last evaluated: 2025-04-07. Review status: criteria provided, single submitter. Criteria: Invitae Variant Classification Sherloc (09022015). Collection method: clinical testing. Allele origin: germline.
Comment: This sequence change replaces leucine, which is neutral and non-polar, with methionine, which is neutral and non-polar, at codon 645 of the DSG1 protein (p.Leu645Met). This variant is not present in population databases (gnomAD no frequency). This variant has not been reported in the literature in individuals affected with DSG1-related conditions. ClinVar contains an entry for this variant (Variation ID: 3720032). Invitae Evidence Modeling of protein sequence and biophysical properties (such as structural, functional, and spatial information, amino acid conservation, physicochemical variation, residue mobility, and thermodynamic stability) indicates that this missense variant is not expected to disrupt DSG1 protein function with a negative predictive value of 80%. In summary, the available evidence is currently insufficient to determine the role of this variant in disease. Therefore, it has been classified as a Variant of Uncertain Significance.